The following is an entry in ClinVar:

ClinVar aggregate classification (germline): Uncertain significance (1 of 4 stars; one submission).

Conditions:
Angelman syndrome (AS). Also called: HAPPY PUPPET SYNDROME. Identifiers: Orphanet 72, MedGen C0162635, MONDO:0007113, OMIM 105830. Disease mechanism: loss of function. Inheritance: AS is caused by disruption of maternally imprinted UBE3A located within the 15q11.2-q13 Angelman syndrome/Prader-Willi syndrome (AS/PWS) region., imprinting disorder.

Submission:

Labcorp Genetics (formerly Invitae), Labcorp
Classification: Uncertain significance for Angelman syndrome. Last evaluated: 2025-11-24. Review status: criteria provided, single submitter. Criteria: Invitae Variant Classification Sherloc (09022015). Collection method: clinical testing. Allele origin: germline.
Comment: This sequence change replaces alanine, which is neutral and non-polar, with proline, which is neutral and non-polar, at codon 72 of the UBE3A protein (p.Ala72Pro). This variant is not present in population databases (gnomAD no frequency). This variant has not been reported in the literature in individuals affected with UBE3A-related conditions. ClinVar contains an entry for this variant (Variation ID: 2111261). Invitae Evidence Modeling of protein sequence and biophysical properties (such as structural, functional, and spatial information, amino acid conservation, physicochemical variation, residue mobility, and thermodynamic stability) has been performed for this missense variant. However, the output from this modeling did not meet the statistical confidence thresholds required to predict the impact of this variant on UBE3A protein function. In summary, the available evidence is currently insufficient to determine the role of this variant in disease. Therefore, it has been classified as a Variant of Uncertain Significance.

NM_130839.5(UBE3A):c.274G>C (p.Ala92Pro)

Genes: SNHG14 (small nucleolar RNA host gene 14; plus strand), UBE3A (ubiquitin protein ligase E3A; minus strand). Cytogenetic location: 15q11.2.
Variant type: single nucleotide variant.
Coding change: c.274G>C on transcript NM_130839.5 (MANE Select); coding-DNA position 274, G replaced by C.
Protein change: p.Ala92Pro; replaces alanine 92 with proline.
Molecular consequence: missense variant. On other transcripts: non-coding transcript variant (1).
Genome position (GRCh38, 1-based): chr15:25,375,552, C>G on the plus strand (G>C on the coding strand, the complement: UBE3A is on the minus strand). VCF-style: chr15-25375552-C-G. GRCh37 (hg19) VCF-style: chr15-25620699-C-G.
Other names: c.214G>C, p.Ala72Pro (NM_001354508.2, NM_001354509.2, NM_001354511.2 and 18 more transcripts); c.274G>C, p.Ala92Pro (NM_001354538.2, NM_001354545.2, NM_001354550.2 and 1 more transcripts); c.97G>C, p.Ala33Pro (NM_001354546.2); c.283G>C, p.Ala95Pro (NM_000462.5); short protein forms A33P, A72P, A95P, A92P.
Identifiers: ClinVar variation 2111261 (VCV002111261.4), dbSNP rs2552193028, ClinGen allele CA391356240.
Genomic context (GRCh38, chr15:25,375,552, plus strand): 5'-TGTTCATTTTTATCTCAGAGCAGGAGTTGTTGGGGGCACCTTTCGAGTTCTCAAGGTAAG[C>G]TGAGCTTGCTCCTTTCTTGGAGGGATGAGGATCACAGAGTTTTGCATTAATCTTATAAAG-3'
Protein context (NP_570854.1, residues 82-102): PHPSKKGASS[Ala92Pro]YLENSKGAPN